The following is an entry in ClinVar:

NM_004259.7(RECQL5):c.2060G>A (p.Arg687Gln)

Gene: RECQL5 (RecQ like helicase 5; minus strand). Cytogenetic location: 17q25.1.
Variant type: single nucleotide variant.
Coding change: c.2060G>A on transcript NM_004259.7 (MANE Select); coding-DNA position 2060, G replaced by A.
Protein change: p.Arg687Gln; replaces arginine 687 with glutamine.
Molecular consequence: missense variant.
Genome position (GRCh38, 1-based): chr17:75,629,363, C>T on the plus strand (G>A on the coding strand, the complement: RECQL5 is on the minus strand). VCF-style: chr17-75629363-C-T. GRCh37 (hg19) VCF-style: chr17-73625443-C-T.
Other names: short protein forms R687Q.
Identifiers: ClinVar variation 2634902 (VCV002634902.1), dbSNP rs34941411, ClinGen allele CA8767175.

ClinVar aggregate classification (germline): Uncertain significance (1 of 4 stars; one submission).

Conditions:
RECQL5-related disorder. Also called: RECQL5-related condition.

Allele frequency attached by ClinVar (database versions not stated): 1000 Genomes Project 30x 0.00047; 1000 Genomes Project 0.00060.
gnomAD v4.1: 34 of 1,512,830 alleles (0.0022%); highest among the groups gnomAD compares: African/African-American, 0.032%; no homozygotes.

Submission:

PreventionGenetics, part of Exact Sciences
Classification: Uncertain significance for RECQL5-related condition. Last evaluated: 2022-11-02. Review status: criteria provided, single submitter. Criteria: ACMG Guidelines, 2015. Collection method: clinical testing. Allele origin: germline.
Comment: The RECQL5 c.2060G>A variant is predicted to result in the amino acid substitution p.Arg687Gln. To our knowledge, this variant has not been reported in the literature. This variant is reported in 0.032% of alleles in individuals of African descent in gnomAD. At this time, the clinical significance of this variant is uncertain due to the absence of conclusive functional and genetic evidence.